The following is an entry in ClinVar:

ClinVar aggregate classification (germline): Pathogenic (1 of 4 stars; one submission).

Conditions:
Primary ciliary dyskinesia. Also called: Ciliary dyskinesia. Identifiers: Orphanet 244, MedGen C0008780, MONDO:0016575, HP:0012265.

Submission:

Labcorp Genetics (formerly Invitae), Labcorp
Classification: Pathogenic for Primary ciliary dyskinesia. Last evaluated: 2017-02-06. Review status: criteria provided, single submitter. Criteria: Invitae Variant Classification Sherloc (09022015). Collection method: clinical testing. Allele origin: germline.
Comment: This sequence change affects a donor splice site in intron 8 of the DNAH11 gene. It is expected to disrupt RNA splicing and likely results in an absent or disrupted protein product. While this particular variant has not been reported in the literature, loss-of-function variants in DNAH11 are known to be pathogenic (PMID: 22184204). For these reasons, this variant has been classified as Pathogenic.

NM_001277115.2(DNAH11):c.1593+1G>A

Gene: DNAH11 (dynein axonemal heavy chain 11; plus strand). Cytogenetic location: 7p15.3.
Variant type: single nucleotide variant.
Coding change: c.1593+1G>A on transcript NM_001277115.2 (MANE Select); the canonical splice donor site of the intron after coding-DNA position 1593, G replaced by A.
Molecular consequence: splice donor variant.
Genome position (GRCh38, 1-based): chr7:21,571,974, G>A. VCF-style: chr7-21571974-G-A. GRCh37 (hg19) VCF-style: chr7-21611592-G-A.
Identifiers: ClinVar variation 454663 (VCV000454663.1), dbSNP rs1554312483, ClinGen allele CA366936112.